The following is an entry in ClinVar:

NM_020964.3(EPG5):c.6228G>A (p.Val2076=)

Gene: EPG5 (ectopic P-granules 5 autophagy tethering factor; minus strand). Cytogenetic location: 18q12.3.
Variant type: single nucleotide variant.
Coding change: c.6228G>A on transcript NM_020964.3 (MANE Select); coding-DNA position 6228, G replaced by A.
Protein change: p.Val2076=; no amino-acid change (valine 2076 retained).
Molecular consequence: synonymous variant.
Genome position (GRCh38, 1-based): chr18:45,867,746, C>T on the plus strand (G>A on the coding strand, the complement: EPG5 is on the minus strand). VCF-style: chr18-45867746-C-T. GRCh37 (hg19) VCF-style: chr18-43447711-C-T.
Other names: c.6228G>A, p.Val2076= (NM_001410858.1); c.6225G>A, p.Val2075= (NM_001410859.1).
Identifiers: ClinVar variation 2141754 (VCV002141754.3), dbSNP rs2511493105, ClinGen allele CA503798573.

ClinVar aggregate classification (germline): Conflicting classifications of pathogenicity. Review status: criteria provided, conflicting classifications (1 of 4 stars). 2 submissions from 2 submitters: Uncertain significance (1); Likely benign (1). Last evaluated 2023-10-24.

Conditions:
Vici syndrome (VICIS). Identifiers: Orphanet 1493, MedGen C1855772, MONDO:0009452, OMIM 242840.

Allele frequency attached by ClinVar (database versions not stated): gnomAD exomes 0.00001.
gnomAD v4.1: 17 of 1,589,314 alleles (0.0011%); highest among the groups gnomAD compares: Non-Finnish European, 0.0014%; no homozygotes.

Submissions (2):

Labcorp Genetics (formerly Invitae), Labcorp
Classification: Uncertain significance for Vici syndrome. Last evaluated: 2023-10-24. Review status: criteria provided, single submitter. Criteria: Invitae Variant Classification Sherloc (09022015). Collection method: clinical testing. Allele origin: germline.
Comment: This sequence change affects codon 2076 of the EPG5 mRNA. It is a 'silent' change, meaning that it does not change the encoded amino acid sequence of the EPG5 protein. This variant is not present in population databases (gnomAD no frequency). This variant has not been reported in the literature in individuals affected with EPG5-related conditions. ClinVar contains an entry for this variant (Variation ID: 2141754). Algorithms developed to predict the effect of sequence changes on RNA splicing suggest that this variant may disrupt the consensus splice site. In summary, the available evidence is currently insufficient to determine the role of this variant in disease. Therefore, it has been classified as a Variant of Uncertain Significance.

Blueprint Genetics
Classification: Likely benign. Last evaluated: 2022-01-31. Review status: criteria provided, single submitter. Criteria: ACMG Guidelines, 2015. Collection method: clinical testing. Allele origin: germline.